The following is an entry in ClinVar:

ClinVar aggregate classification (germline): Uncertain significance (1 of 4 stars; one submission).

Submission:

Labcorp Genetics (formerly Invitae), Labcorp
Classification: Uncertain significance. Last evaluated: 2021-12-02. Review status: criteria provided, single submitter. Criteria: Invitae Variant Classification Sherloc (09022015). Collection method: clinical testing. Allele origin: germline.
Comment: Algorithms developed to predict the effect of missense changes on protein structure and function are either unavailable or do not agree on the potential impact of this missense change (SIFT: "Deleterious"; PolyPhen-2: "Not Available"; Align-GVGD: "Class C0"). In summary, the available evidence is currently insufficient to determine the role of this variant in disease. Therefore, it has been classified as a Variant of Uncertain Significance. This variant has not been reported in the literature in individuals affected with PCLO-related conditions. This variant is not present in population databases (gnomAD no frequency). This sequence change replaces valine, which is neutral and non-polar, with leucine, which is neutral and non-polar, at codon 2619 of the PCLO protein (p.Val2619Leu).

NM_033026.6(PCLO):c.7855G>C (p.Val2619Leu)

Gene: PCLO (piccolo presynaptic cytomatrix protein; minus strand). Cytogenetic location: 7q21.11.
Variant type: single nucleotide variant.
Coding change: c.7855G>C on transcript NM_033026.6 (MANE Select); coding-DNA position 7855, G replaced by C.
Protein change: p.Val2619Leu; replaces valine 2619 with leucine.
Molecular consequence: missense variant.
Genome position (GRCh38, 1-based): chr7:82,953,098, C>G on the plus strand (G>C on the coding strand, the complement: PCLO is on the minus strand). VCF-style: chr7-82953098-C-G. GRCh37 (hg19) VCF-style: chr7-82582414-C-G.
Other names: c.7855G>C, p.Val2619Leu (NM_014510.3); short protein forms V2619L.
Identifiers: ClinVar variation 1513136 (VCV001513136.8), dbSNP rs2116438016, ClinGen allele CA367915586.
Genomic context (GRCh38, chr7:82,953,098, plus strand): 5'-AGGTCTGTTCTGAAGAAATTGGAATTTCTACAGCTGTCACAGGAGGAACTACAGAAAACA[C>G]AGGTTCAACAGAAACCAGATCTTTGGAGGGTGATCCCAAGGGCCAACTGGTAATTGCTTG-3'
Protein context (NP_149015.2, residues 2609-2629): PSKDLVSVEP[Val2619Leu]FSVVPPVTAV